The following is an entry in ClinVar:

ClinVar aggregate classification (germline): Uncertain significance. Review status: criteria provided, multiple submitters, no conflicts (2 of 4 stars). 2 submissions from 2 submitters: Uncertain significance (2). Last evaluated 2024-04-09.

Conditions:
Candidiasis, familial, 8 (CANDF8). Identifiers: Orphanet 1334, MedGen C3714992, MONDO:0014230, OMIM 615527.

Allele frequency attached by ClinVar (database versions not stated): ExAC 0.00001; gnomAD exomes 0.00001; TOPMed 0.00001.
gnomAD v4.1: 8 of 1,589,302 alleles (0.0005%); highest among the groups gnomAD compares: South Asian, 0.008%; no homozygotes.

Submissions (2):

Ambry Genetics
Classification: Uncertain significance. Last evaluated: 2024-04-09. Review status: criteria provided, single submitter. Criteria: Ambry Variant Classification Scheme 2023. Collection method: clinical testing. Allele origin: germline.

Labcorp Genetics (formerly Invitae), Labcorp
Classification: Uncertain significance for Candidiasis, familial, 8. Last evaluated: 2021-06-20. Review status: criteria provided, single submitter. Criteria: Invitae Variant Classification Sherloc (09022015). Collection method: clinical testing. Allele origin: germline.
Comment: In summary, the available evidence is currently insufficient to determine the role of this variant in disease. Therefore, it has been classified as a Variant of Uncertain Significance. Algorithms developed to predict the effect of missense changes on protein structure and function output the following: SIFT: "Tolerated"; PolyPhen-2: "Benign"; Align-GVGD: "Class C0". The valine amino acid residue is found in multiple mammalian species, suggesting that this missense change does not adversely affect protein function. These predictions have not been confirmed by published functional studies and their clinical significance is uncertain. This variant has not been reported in the literature in individuals with TRAF3IP2-related conditions. This variant is present in population databases (rs773319517, ExAC 0.008%). This sequence change replaces isoleucine with valine at codon 290 of the TRAF3IP2 protein (p.Ile290Val). The isoleucine residue is weakly conserved and there is a small physicochemical difference between isoleucine and valine.

NM_147686.4(TRAF3IP2):c.868A>G (p.Ile290Val)

Genes: TRAF3IP2 (TRAF3 interacting protein 2; minus strand), TRAF3IP2-AS1 (TRAF3IP2 antisense RNA 1; plus strand). Cytogenetic location: 6q21.
Variant type: single nucleotide variant.
Coding change: c.868A>G on transcript NM_147686.4 (MANE Select); coding-DNA position 868, A replaced by G.
Protein change: p.Ile290Val; replaces isoleucine 290 with valine.
Molecular consequence: missense variant.
Genome position (GRCh38, 1-based): chr6:111,580,351, T>C on the plus strand (A>G on the coding strand, the complement: TRAF3IP2 is on the minus strand). VCF-style: chr6-111580351-T-C. GRCh37 (hg19) VCF-style: chr6-111901554-T-C.
Other names: c.868A>G, p.Ile290Val (NM_001164281.3); c.895A>G, p.Ile299Val (NM_147200.3); c.868A>G (NM_147686.2); short protein forms I299V, I290V.
Identifiers: ClinVar variation 1399700 (VCV001399700.9), dbSNP rs773319517, ClinGen allele CA3963231.